The following is an entry in ClinVar:

ClinVar aggregate classification (germline): Pathogenic (1 of 4 stars; one submission).

Conditions:
Bardet-Biedl syndrome (BBS). Identifiers: Orphanet 110, MedGen C0752166, MONDO:0015229.

Submission:

Labcorp Genetics (formerly Invitae), Labcorp
Classification: Pathogenic for Bardet-Biedl syndrome. Last evaluated: 2023-12-26. Review status: criteria provided, single submitter. Criteria: Invitae Variant Classification Sherloc (09022015). Collection method: clinical testing. Allele origin: unknown.
Comment: A gross deletion of the genomic region encompassing the full coding sequence of the BBS10 gene has been identified. Loss-of-function variants in BBS10 are known to be pathogenic (PMID: 26273430, 27659767). The boundaries of this event are unknown as they extend beyond the assayed region for this gene and therefore may encompass additional genes. This variant has not been reported in the literature in individuals affected with BBS10-related conditions. For these reasons, this variant has been classified as Pathogenic.

Literature cited by the submitters: PubMed 26273430; PubMed 27659767.

NC_000012.11:g.(?_76739593)_(76742138_?)del

Gene: BBS10 (Bardet-Biedl syndrome 10; minus strand). Cytogenetic location: 12q21.2.
Variant type: Deletion.
Identifiers: ClinVar variation 3244279 (VCV003244279.1).